The following is an entry in ClinVar:

ClinVar aggregate classification (germline): Conflicting classifications of pathogenicity. Review status: criteria provided, conflicting classifications (1 of 4 stars). 3 submissions from 3 submitters: Uncertain significance (1); Likely benign (2). Last evaluated 2025-02-03.

Conditions:
TRPM1-related disorder. Also called: TRPM1-related condition.

Allele frequency attached by ClinVar (database versions not stated): gnomAD exomes 0.00006 and 0.00013; ExAC 0.00016; gnomAD 0.00041 and 0.00042; 1000 Genomes Project 30x 0.00047; TOPMed 0.00050; 1000 Genomes Project 0.00060; ESP Exome Variant Server 0.00072.
gnomAD v4.1: 159 of 1,613,988 alleles (0.0099%); highest among the groups gnomAD compares: African/African-American, 0.19%; 1 homozygote.

Submissions (3):

Labcorp Genetics (formerly Invitae), Labcorp
Classification: Uncertain significance. Last evaluated: 2025-02-03. Review status: criteria provided, single submitter. Criteria: Invitae Variant Classification Sherloc (09022015). Collection method: clinical testing. Allele origin: germline.
Comment: This sequence change falls in intron 9 of the TRPM1 gene. It does not directly change the encoded amino acid sequence of the TRPM1 protein. It affects a nucleotide within the consensus splice site. This variant is present in population databases (rs192371158, gnomAD 0.2%). This variant has not been reported in the literature in individuals affected with TRPM1-related conditions. ClinVar contains an entry for this variant (Variation ID: 856773). Variants that disrupt the consensus splice site are a relatively common cause of aberrant splicing (PMID: 17576681, 9536098). Algorithms developed to predict the effect of sequence changes on RNA splicing suggest that this variant is not likely to affect RNA splicing. In summary, the available evidence is currently insufficient to determine the role of this variant in disease. Therefore, it has been classified as a Variant of Uncertain Significance.

PreventionGenetics, part of Exact Sciences
Classification: Likely benign for TRPM1-related condition. Last evaluated: 2024-12-12. Review status: criteria provided, single submitter. Criteria: ACMG Guidelines, 2015. Collection method: clinical testing. Allele origin: germline.
Comment: This variant is classified as likely benign based on ACMG/AMP sequence variant interpretation guidelines (Richards et al. 2015 PMID: 25741868, with internal and published modifications).

Blueprint Genetics
Classification: Likely benign. Last evaluated: 2024-11-11. Review status: criteria provided, single submitter. Criteria: ACMG Guidelines, 2015. Collection method: clinical testing. Allele origin: germline.

Literature cited by the submitters: PubMed 17576681 (cited by Labcorp Genetics (formerly Invitae), Labcorp); PubMed 9536098 (cited by Labcorp Genetics (formerly Invitae), Labcorp).

NM_001252024.2(TRPM1):c.1162+6C>A

Gene: TRPM1 (transient receptor potential cation channel subfamily M member 1; minus strand). Cytogenetic location: 15q13.3.
Variant type: single nucleotide variant.
Coding change: c.1162+6C>A on transcript NM_001252024.2 (MANE Select); 6 bases into the intron after coding-DNA position 1162, C replaced by A.
Molecular consequence: intron variant.
Genome position (GRCh38, 1-based): chr15:31,061,436, G>T on the plus strand (C>A on the coding strand, the complement: TRPM1 is on the minus strand). VCF-style: chr15-31061436-G-T. GRCh37 (hg19) VCF-style: chr15-31353639-G-T.
Other names: c.1213+6C>A (NM_001252020.2, NM_001252020.1); c.1096+6C>A (NM_002420.6).
Identifiers: ClinVar variation 856773 (VCV000856773.9), dbSNP rs192371158, ClinGen allele CA7452677.